The following is an entry in ClinVar:

NM_170784.3(MKKS):c.1169G>A (p.Cys390Tyr)

Gene: MKKS (MKKS centrosomal shuttling protein; minus strand). Cytogenetic location: 20p12.2.
Variant type: single nucleotide variant.
Coding change: c.1169G>A on transcript NM_170784.3 (MANE Select); coding-DNA position 1169, G replaced by A.
Protein change: p.Cys390Tyr; replaces cysteine 390 with tyrosine.
Molecular consequence: missense variant. On other transcripts: non-coding transcript variant (1).
Genome position (GRCh38, 1-based): chr20:10,407,719, C>T on the plus strand (G>A on the coding strand, the complement: MKKS is on the minus strand). VCF-style: chr20-10407719-C-T. GRCh37 (hg19) VCF-style: chr20-10388367-C-T.
Other names: c.1169G>A, p.Cys390Tyr (NM_018848.3); short protein forms C390Y.
Identifiers: ClinVar variation 1486088 (VCV001486088.5), dbSNP rs1361214616, ClinGen allele CA408231497.

ClinVar aggregate classification (germline): Uncertain significance. Review status: criteria provided, multiple submitters, no conflicts (2 of 4 stars). 2 submissions from 2 submitters: Uncertain significance (2). Last evaluated 2024-02-24.

Conditions:
Bardet-Biedl syndrome (BBS). Identifiers: Orphanet 110, MedGen C0752166, MONDO:0015229.
McKusick-Kaufman syndrome (MKKS). Also called: HYDROMETROCOLPOS SYNDROME; HYDROMETROCOLPOS, POSTAXIAL POLYDACTYLY, AND CONGENITAL HEART MALFORMATION. Identifiers: Orphanet 2473, MedGen C0948368, MONDO:0009367, OMIM 236700.

Allele frequency attached by ClinVar (database versions not stated): gnomAD exomes below 0.00001; gnomAD 0.00002; TOPMed 0.00002.
gnomAD v4.1: 5 of 1,613,382 alleles (0.00031%); highest among the groups gnomAD compares: African/African-American, 0.004%; no homozygotes.

Submissions (2):

Labcorp Genetics (formerly Invitae), Labcorp
Classification: Uncertain significance for McKusick-Kaufman syndrome; Bardet-Biedl syndrome. Last evaluated: 2024-02-24. Review status: criteria provided, single submitter. Criteria: Invitae Variant Classification Sherloc (09022015). Collection method: clinical testing. Allele origin: germline.
Comment: This sequence change replaces cysteine, which is neutral and slightly polar, with tyrosine, which is neutral and polar, at codon 390 of the MKKS protein (p.Cys390Tyr). This variant is present in population databases (no rsID available, gnomAD 0.01%). This variant has not been reported in the literature in individuals affected with MKKS-related conditions. ClinVar contains an entry for this variant (Variation ID: 1486088). Advanced modeling of protein sequence and biophysical properties (such as structural, functional, and spatial information, amino acid conservation, physicochemical variation, residue mobility, and thermodynamic stability) has been performed at Invitae for this missense variant, however the output from this modeling did not meet the statistical confidence thresholds required to predict the impact of this variant on MKKS protein function. In summary, the available evidence is currently insufficient to determine the role of this variant in disease. Therefore, it has been classified as a Variant of Uncertain Significance.

Department of Pathology and Laboratory Medicine, Sinai Health System
Classification: Uncertain significance for Bardet-Biedl syndrome. Last evaluated: 2023-04-18. Review status: criteria provided, single submitter. Criteria: ACMG Guidelines, 2015. Collection method: research. Allele origin: germline.